The following is an entry in ClinVar:

ClinVar aggregate classification (germline): Benign. Review status: criteria provided, multiple submitters, no conflicts (2 of 4 stars). 9 submissions from 8 submitters: Benign (8). 1 of the submissions does not count toward it. Last evaluated 2026-02-04.

Conditions:
Autosomal recessive hypohidrotic ectodermal dysplasia syndrome. Also called: Autosomal recessive hypohidrotic ectodermal dysplasia. Identifiers: Orphanet 248, MedGen C0406702, MONDO:0016619.
Ectodermal dysplasia 10A, hypohidrotic/hair/nail type, autosomal dominant (ECTD10A). Also called: Ectodermal Dysplasia 3, Anhidrotic. Identifiers: Orphanet 1810, Orphanet 238468, MedGen C3888065, MONDO:0007509, OMIM 129490.
Hypohidrotic ectodermal dysplasia (HED). Identifiers: Orphanet 238468, MedGen C5848103, MONDO:0016535, HP:0007607.
Ectodermal dysplasia 10B, hypohidrotic/hair/tooth type, autosomal recessive. Also called: Ectodermal Dysplasia, Hypohidrotic, Autosomal Recessive; Ectodermal dysplasia 10B, hypohidrotic/hair/tooth type, autosomal. Identifiers: Orphanet 238468, Orphanet 248, MedGen C3887494, MONDO:0009147, OMIM 224900.

Allele frequency attached by ClinVar (database versions not stated): gnomAD exomes 0.91898 and 0.90712; ESP Exome Variant Server 0.89628; TOPMed 0.90603; gnomAD 0.90587 and 0.90287; 1000 Genomes Project 30x 0.91927; ExAC 0.91697; 1000 Genomes Project 0.92133.
gnomAD v4.1: 1,463,421 of 1,613,114 alleles (91%); highest among the groups gnomAD compares: East Asian, 100%; 664,238 homozygotes.

Submissions (9):

Labcorp Genetics (formerly Invitae), Labcorp
Classification: Benign for Ectodermal dysplasia 10A, hypohidrotic/hair/nail type, autosomal dominant; Autosomal recessive hypohidrotic ectodermal dysplasia syndrome. Last evaluated: 2026-02-04. Review status: criteria provided, single submitter. Criteria: Invitae Variant Classification Sherloc (09022015). Collection method: clinical testing. Allele origin: germline.

Genome-Nilou Lab
Classification: Benign for Ectodermal dysplasia 10A, hypohidrotic/hair/nail type, autosomal dominant. Last evaluated: 2021-07-30. Review status: criteria provided, single submitter. Criteria: ACMG Guidelines, 2015. Collection method: clinical testing. Allele origin: germline. Affected: no.

Genome-Nilou Lab
Classification: Benign for Ectodermal dysplasia 10B, hypohidrotic/hair/tooth type, autosomal recessive. Last evaluated: 2021-07-30. Review status: criteria provided, single submitter. Criteria: ACMG Guidelines, 2015. Collection method: clinical testing. Allele origin: germline. Affected: no.

Illumina Laboratory Services, Illumina
Classification: Benign for Hypohidrotic ectodermal dysplasia. Last evaluated: 2018-01-12. Review status: criteria provided, single submitter. Criteria: ICSL Variant Classification Criteria 13 December 2019. Collection method: clinical testing. Allele origin: germline.
Comment: This variant was observed in the ICSL laboratory as part of a predisposition screen in an ostensibly healthy population. It had not been previously curated by ICSL or reported in the Human Gene Mutation Database (HGMD: prior to June 1st, 2018), and was therefore a candidate for classification through an automated scoring system. Utilizing variant allele frequency, disease prevalence and penetrance estimates, and inheritance mode, an automated score was calculated to assess if this variant is too frequent to cause the disease. Based on the score and internal cut-off values, a variant classified as benign is not then subjected to further curation. The score for this variant resulted in a classification of benign for this disease.

GeneDx
Classification: Benign. Last evaluated: 2015-03-03. Review status: criteria provided, single submitter. Criteria: GeneDx Variant Classification Process June 2021. Collection method: clinical testing. Allele origin: germline. Affected: yes.

Laboratory for Molecular Medicine, Mass General Brigham Personalized Medicine
Classification: Benign. Last evaluated: 2014-01-13. Review status: criteria provided, single submitter. Criteria: LMM Criteria. Collection method: clinical testing. Allele origin: germline. Observed: 1 variant allele.
Comment: This variant is not expected to have clinical significance because it has been s een in 90% (7759/8600) of European American chromosomes and 88.5% (3898/4406) of African American chromosomes by the NHLBI Exome Sequencing Project (.; dbSNP rs260632).

Breakthrough Genomics
Classification: Benign. Review status: criteria provided, single submitter. Criteria: ACMG Guidelines, 2015. Collection method: not provided. Allele origin: germline. Inheritance: Autosomal recessive inheritance. Affected: yes.

PreventionGenetics, part of Exact Sciences
Classification: Benign. Review status: criteria provided, single submitter. Criteria: ACMG Guidelines, 2015. Collection method: clinical testing. Allele origin: germline.

Genomic Research Center, Shahid Beheshti University of Medical Sciences
Classification: Uncertain significance. Review status: no assertion criteria provided. Collection method: not provided. Allele origin: somatic. Not counted in ClinVar's aggregate classification.
ClinVar note: Converted during submission from unknown to Uncertain significance.

NM_022336.4(EDAR):c.750C>T (p.Ser250=)

Genes: EDAR (ectodysplasin A receptor; minus strand), RANBP2 (RAN binding protein 2; plus strand). Cytogenetic location: 2q13.
Variant type: single nucleotide variant.
Coding change: c.750C>T on transcript NM_022336.4 (MANE Select); coding-DNA position 750, C replaced by T.
Protein change: p.Ser250=; no amino-acid change (serine 250 retained).
Molecular consequence: synonymous variant.
Genome position (GRCh38, 1-based): chr2:108,910,513, G>A on the plus strand (C>T on the coding strand, the complement: EDAR is on the minus strand). VCF-style: chr2-108910513-G-A. GRCh37 (hg19) VCF-style: chr2-109526969-G-A.
Identifiers: ClinVar variation 155870 (VCV000155870.27), dbSNP rs260632, ClinGen allele CA210915.